The following is an entry in ClinVar:

NM_000136.3(FANCC):c.1225G>A (p.Glu409Lys)

Genes: AOPEP (aminopeptidase O (putative); plus strand), FANCC (FA complementation group C; minus strand). Cytogenetic location: 9q22.32.
Variant type: single nucleotide variant.
Coding change: c.1225G>A on transcript NM_000136.3 (MANE Select); coding-DNA position 1225, G replaced by A.
Protein change: p.Glu409Lys; replaces glutamic acid 409 with lysine.
Molecular consequence: missense variant.
Genome position (GRCh38, 1-based): chr9:95,111,567, C>T on the plus strand (G>A on the coding strand, the complement: FANCC is on the minus strand). VCF-style: chr9-95111567-C-T. GRCh37 (hg19) VCF-style: chr9-97873849-C-T.
Other names: c.1225G>A, p.Glu409Lys (NM_001243743.2, NM_001243744.2); short protein forms E409K.
Identifiers: ClinVar variation 1502377 (VCV001502377.10), dbSNP rs1209529082, ClinGen allele CA374107432.
Genomic context (GRCh38, chr9:95,111,567, plus strand): 5'-AGAAGGCCAAGAGCCACAGCAGGGCCGTGGGGGGTTCGGCTGCCGACATCAGTAATTGCT[C>T]TGCCACCATCTCAGCCCATCCTCCGAAGTGAATGAACAGGAACCAGCTCTCAAAGGGACC-3'
Protein context (NP_000127.2, residues 399-419): HFGGWAEMVA[Glu409Lys]QLLMSAAEPP

ClinVar aggregate classification (germline): Uncertain significance. Review status: criteria provided, multiple submitters, no conflicts (2 of 4 stars). 2 submissions from 2 submitters: Uncertain significance (2). Last evaluated 2023-10-13.

Conditions:
Fanconi anemia (FA). Also called: Fanconi's anemia. Identifiers: Orphanet 84, MedGen C0015625, MeSH D005199, MONDO:0019391.
Hereditary cancer-predisposing syndrome. Also called: Hereditary neoplastic syndrome; Tumor predisposition; Neoplastic Syndromes, Hereditary; Hereditary Cancer Syndrome. Identifiers: Orphanet 140162, MedGen C0027672, MeSH D009386, MONDO:0015356.

Allele frequency attached by ClinVar (database versions not stated): gnomAD exomes below 0.00001; TOPMed below 0.00001.
gnomAD v4.1: 1 of 1,614,216 alleles (0.000062%); no homozygotes.

Submissions (2):

Labcorp Genetics (formerly Invitae), Labcorp
Classification: Uncertain significance for Fanconi anemia. Last evaluated: 2023-10-13. Review status: criteria provided, single submitter. Criteria: Invitae Variant Classification Sherloc (09022015). Collection method: clinical testing. Allele origin: germline.
Comment: This sequence change replaces glutamic acid, which is acidic and polar, with lysine, which is basic and polar, at codon 409 of the FANCC protein (p.Glu409Lys). This variant is present in population databases (no rsID available, gnomAD 0.01%). This variant has not been reported in the literature in individuals affected with FANCC-related conditions. ClinVar contains an entry for this variant (Variation ID: 1502377). Advanced modeling of protein sequence and biophysical properties (such as structural, functional, and spatial information, amino acid conservation, physicochemical variation, residue mobility, and thermodynamic stability) performed at Invitae indicates that this missense variant is not expected to disrupt FANCC protein function. In summary, the available evidence is currently insufficient to determine the role of this variant in disease. Therefore, it has been classified as a Variant of Uncertain Significance.

Ambry Genetics
Classification: Uncertain significance for Hereditary cancer-predisposing syndrome. Last evaluated: 2022-09-11. Review status: criteria provided, single submitter. Criteria: Ambry Variant Classification Scheme 2023. Collection method: clinical testing. Allele origin: germline.
Comment: The p.E409K variant (also known as c.1225G>A), located in coding exon 12 of the FANCC gene, results from a G to A substitution at nucleotide position 1225. The glutamic acid at codon 409 is replaced by lysine, an amino acid with similar properties. This amino acid position is well conserved in available vertebrate species. In addition, this alteration is predicted to be tolerated by in silico analysis. Since supporting evidence is limited at this time, the clinical significance of this alteration remains unclear.